The following is an entry in ClinVar:

ClinVar aggregate classification (germline): Uncertain significance. Review status: criteria provided, multiple submitters, no conflicts (2 of 4 stars). 2 submissions from 2 submitters: Uncertain significance (2). Last evaluated 2025-05-28.

Conditions:
Autosomal dominant Parkinson disease 8. Also called: Parkinson disease 8, susceptibility to; LRRK2-Related Parkinson Disease; Parkinson disease 8. Identifiers: Orphanet 411602, MedGen C1846862, MONDO:0011764, OMIM 607060.
Inborn genetic diseases. Identifiers: MedGen C0950123, MeSH D030342.

Allele frequency attached by ClinVar (database versions not stated): gnomAD exomes below 0.00001.
gnomAD v4.1: 6 of 1,612,722 alleles (0.00037%); highest among the groups gnomAD compares: Non-Finnish European, 0.00051%; no homozygotes.

Submissions (2):

Ambry Genetics
Classification: Uncertain significance for Inborn genetic diseases. Last evaluated: 2025-05-28. Review status: criteria provided, single submitter. Criteria: Ambry Variant Classification Scheme 2023. Collection method: clinical testing. Allele origin: germline.

Labcorp Genetics (formerly Invitae), Labcorp
Classification: Uncertain significance for Autosomal dominant Parkinson disease 8. Last evaluated: 2023-06-06. Review status: criteria provided, single submitter. Criteria: Invitae Variant Classification Sherloc (09022015). Collection method: clinical testing. Allele origin: germline.
Comment: Advanced modeling of protein sequence and biophysical properties (such as structural, functional, and spatial information, amino acid conservation, physicochemical variation, residue mobility, and thermodynamic stability) has been performed at Invitae for this missense variant, however the output from this modeling did not meet the statistical confidence thresholds required to predict the impact of this variant on LRRK2 protein function. In summary, the available evidence is currently insufficient to determine the role of this variant in disease. Therefore, it has been classified as a Variant of Uncertain Significance. This sequence change replaces valine, which is neutral and non-polar, with methionine, which is neutral and non-polar, at codon 1598 of the LRRK2 protein (p.Val1598Met). This variant is not present in population databases (gnomAD no frequency). This variant has not been reported in the literature in individuals affected with LRRK2-related conditions. ClinVar contains an entry for this variant (Variation ID: 1743115).

NM_198578.4(LRRK2):c.4792G>A (p.Val1598Met)

Gene: LRRK2 (leucine rich repeat kinase 2; plus strand). Cytogenetic location: 12q12.
Variant type: single nucleotide variant.
Coding change: c.4792G>A on transcript NM_198578.4 (MANE Select); coding-DNA position 4792, G replaced by A.
Protein change: p.Val1598Met; replaces valine 1598 with methionine.
Molecular consequence: missense variant.
Genome position (GRCh38, 1-based): chr12:40,315,265, G>A. VCF-style: chr12-40315265-G-A. GRCh37 (hg19) VCF-style: chr12-40709067-G-A.
Other names: short protein forms V1598M.
Identifiers: ClinVar variation 1743115 (VCV001743115.6), dbSNP rs1945176962, ClinGen allele CA384419295.